The following is an entry in ClinVar:

ClinVar aggregate classification (germline): Uncertain significance. Review status: criteria provided, multiple submitters, no conflicts (2 of 4 stars). 3 submissions from 3 submitters: Uncertain significance (3). Last evaluated 2025-03-17.

Conditions:
Inborn genetic diseases. Identifiers: MedGen C0950123, MeSH D030342.
Hereditary spastic paraplegia 39 (SPG39). Also called: Spastic Paraplegia Type 39 (SPG39); SPASTIC PARAPLEGIA 39, AUTOSOMAL RECESSIVE. Identifiers: Orphanet 139480, MedGen C2677586, MONDO:0012787, OMIM 612020.

Allele frequency attached by ClinVar (database versions not stated): TOPMed 0.00001; gnomAD 0.00002; gnomAD exomes 0.00003; ExAC 0.00005.
gnomAD v4.1: 27 of 1,613,490 alleles (0.0017%); highest among the groups gnomAD compares: Middle Eastern, 0.016%; no homozygotes.

Submissions (3):

Labcorp Genetics (formerly Invitae), Labcorp
Classification: Uncertain significance for Hereditary spastic paraplegia 39. Last evaluated: 2025-03-17. Review status: criteria provided, single submitter. Criteria: Invitae Variant Classification Sherloc (09022015). Collection method: clinical testing. Allele origin: germline.
Comment: This sequence change replaces arginine, which is basic and polar, with glutamine, which is neutral and polar, at codon 1222 of the PNPLA6 protein (p.Arg1222Gln). This variant is present in population databases (rs758242525, gnomAD 0.005%). This variant has not been reported in the literature in individuals affected with PNPLA6-related conditions. ClinVar contains an entry for this variant (Variation ID: 1040787). Invitae Evidence Modeling of protein sequence and biophysical properties (such as structural, functional, and spatial information, amino acid conservation, physicochemical variation, residue mobility, and thermodynamic stability) indicates that this missense variant is not expected to disrupt PNPLA6 protein function with a negative predictive value of 80%. In summary, the available evidence is currently insufficient to determine the role of this variant in disease. Therefore, it has been classified as a Variant of Uncertain Significance.

Ambry Genetics
Classification: Uncertain significance for Inborn genetic diseases. Last evaluated: 2024-02-26. Review status: criteria provided, single submitter. Criteria: Ambry Variant Classification Scheme 2023. Collection method: clinical testing. Allele origin: germline.

Athena Diagnostics
Classification: Uncertain significance. Last evaluated: 2023-12-26. Review status: criteria provided, single submitter. Criteria: Athena Diagnostics Criteria. Collection method: clinical testing. Allele origin: unknown.
Comment: Available data are insufficient to determine the clinical significance of the variant at this time. The frequency of this variant in the general population is uninformative in assessment of its pathogenicity. Computational tools predict that this variant is not damaging.

NM_001166114.2(PNPLA6):c.3779G>A (p.Arg1260Gln)

Gene: PNPLA6 (patatin like domain 6, lysophospholipase; plus strand). Cytogenetic location: 19p13.2.
Variant type: single nucleotide variant.
Coding change: c.3779G>A on transcript NM_001166114.2 (MANE Select); coding-DNA position 3779, G replaced by A.
Protein change: p.Arg1260Gln; replaces arginine 1260 with glutamine.
Molecular consequence: missense variant.
Genome position (GRCh38, 1-based): chr19:7,560,727, G>A. VCF-style: chr19-7560727-G-A. GRCh37 (hg19) VCF-style: chr19-7625613-G-A.
Other names: c.3809G>A (NM_001166111.1); c.3809G>A, p.Arg1270Gln (NM_001166111.2); c.3584G>A, p.Arg1195Gln (NM_001166112.2); c.3665G>A, p.Arg1222Gln (NM_001166113.1, NM_006702.5); c.3665G>A (NM_006702.4); short protein forms R1195Q, R1222Q, R1260Q, R1270Q.
Identifiers: ClinVar variation 1040787 (VCV001040787.10), dbSNP rs758242525, ClinGen allele CA9140575.